The following is an entry in ClinVar:

ClinVar aggregate classification (germline): Uncertain significance (1 of 4 stars; one submission).

Conditions:
Ullrich congenital muscular dystrophy 2 (UCMD2). Identifiers: Orphanet 75840, MedGen C4225314, MONDO:0014654, OMIM 616470.
Bethlem myopathy 2 (BTHLM2). Identifiers: Orphanet 536516, Orphanet 610, MedGen C4225313, MONDO:0034022, OMIM 616471.

Allele frequency attached by ClinVar (database versions not stated): gnomAD exomes below 0.00001; TOPMed 0.00001.
gnomAD v4.1: 3 of 1,612,998 alleles (0.00019%); highest among the groups gnomAD compares: Non-Finnish European, 0.00025%; no homozygotes.

Submission:

Labcorp Genetics (formerly Invitae), Labcorp
Classification: Uncertain significance for Bethlem myopathy 2; Ullrich congenital muscular dystrophy 2. Last evaluated: 2025-06-10. Review status: criteria provided, single submitter. Criteria: Invitae Variant Classification Sherloc (09022015). Collection method: clinical testing. Allele origin: germline.
Comment: This sequence change falls in intron 61 of the COL12A1 gene. It does not directly change the encoded amino acid sequence of the COL12A1 protein. It affects a nucleotide within the consensus splice site. This variant is not present in population databases (gnomAD no frequency). This variant has not been reported in the literature in individuals affected with COL12A1-related conditions. ClinVar contains an entry for this variant (Variation ID: 2926172). Variants that disrupt the consensus splice site are a relatively common cause of aberrant splicing (PMID: 17576681, 9536098). Algorithms developed to predict the effect of sequence changes on RNA splicing suggest that this variant is not likely to affect RNA splicing. In summary, the available evidence is currently insufficient to determine the role of this variant in disease. Therefore, it has been classified as a Variant of Uncertain Significance.

Literature cited by the submitters: PubMed 17576681; PubMed 9536098.

NM_004370.6(COL12A1):c.8685+4T>C

Gene: COL12A1 (collagen type XII alpha 1 chain; minus strand). Cytogenetic location: 6q13.
Variant type: single nucleotide variant.
Coding change: c.8685+4T>C on transcript NM_004370.6 (MANE Select); 4 bases into the intron after coding-DNA position 8685, T replaced by C.
Molecular consequence: intron variant.
Genome position (GRCh38, 1-based): chr6:75,091,486, A>G on the plus strand (T>C on the coding strand, the complement: COL12A1 is on the minus strand). VCF-style: chr6-75091486-A-G. GRCh37 (hg19) VCF-style: chr6-75801202-A-G.
Other names: c.5193+4T>C (NM_001424116.1, NM_080645.3); c.8412+4T>C (NM_001424115.1); c.8664+4T>C (NM_001424114.1); c.8685+4T>C (NM_001424113.1).
Identifiers: ClinVar variation 2926172 (VCV002926172.3), dbSNP rs996988585, ClinGen allele CA141001047.